The following is an entry in ClinVar:

ClinVar aggregate classification (germline): Likely benign (1 of 4 stars; one submission).

gnomAD v4.1: 733 of 1,205,856 alleles (0.061%); highest among the groups gnomAD compares: Non-Finnish European, 0.071%; no homozygotes.

Submission:

CeGaT Center for Human Genetics Tuebingen
Classification: Likely benign. Last evaluated: 2026-09-01. Review status: criteria provided, single submitter. Criteria: CeGaT Center For Human Genetics Tuebingen Variant Classification Criteria Version 2. Collection method: clinical testing. Allele origin: germline. Affected: yes. Observed: 1 variant allele.
Comment: SIN3B: BP4, BP7

NM_001297595.2(SIN3B):c.6G>C (p.Ala2=)

Gene: SIN3B (SIN3 transcription regulator family member B; plus strand). Cytogenetic location: 19p13.11.
Variant type: single nucleotide variant.
Coding change: c.6G>C on transcript NM_001297595.2 (MANE Select); coding-DNA position 6, G replaced by C.
Protein change: p.Ala2=; no amino-acid change (alanine 2 retained).
Molecular consequence: synonymous variant.
Genome position (GRCh38, 1-based): chr19:16,829,426, G>C. VCF-style: chr19-16829426-G-C. GRCh37 (hg19) VCF-style: chr19-16940237-G-C.
Other names: c.6G>C, p.Ala2= (NM_015260.4).
Identifiers: ClinVar variation 5040948 (VCV005040948.1).